The following is an entry in ClinVar:

ClinVar aggregate classification (germline): Uncertain significance (1 of 4 stars; one submission).

Submission:

Labcorp Genetics (formerly Invitae), Labcorp
Classification: Uncertain significance. Last evaluated: 2022-06-08. Review status: criteria provided, single submitter. Criteria: Invitae Variant Classification Sherloc (09022015). Collection method: clinical testing. Allele origin: germline.
Comment: This variant, c.5436_5438del, results in the deletion of 1 amino acid(s) of the CCDC88C protein (p.Leu1813del), but otherwise preserves the integrity of the reading frame. This variant is present in population databases (rs771411381, gnomAD 0.01%). This variant has not been reported in the literature in individuals affected with CCDC88C-related conditions. Experimental studies and prediction algorithms are not available or were not evaluated, and the functional significance of this variant is currently unknown. In summary, the available evidence is currently insufficient to determine the role of this variant in disease. Therefore, it has been classified as a Variant of Uncertain Significance.

NM_001080414.4(CCDC88C):c.5436_5438del (p.Leu1813del)

Gene: CCDC88C (coiled-coil domain containing 88C; minus strand). Cytogenetic location: 14q32.11.
Variant type: Deletion.
Coding change: c.5436_5438del on transcript NM_001080414.4 (MANE Select); coding-DNA positions 5436 to 5438, 3 bases deleted (TCT; older notation c.5436_5438delTCT).
Protein change: p.Leu1813del; deletes leucine 1813.
Molecular consequence: inframe deletion.
Genome position (GRCh38, 1-based): chr14:91,273,274-91,273,276, AGA deleted on the plus strand (TCT on the coding strand, the reverse complement: CCDC88C is on the minus strand); deleting any 3 consecutive bases within chr14:91,273,274-91,273,278 gives the same sequence; the c. name uses the placement nearest the transcript's 3' end. VCF-style (leftmost placement, unchanged base first): chr14-91273273-GAGA-G. GRCh37 (hg19) VCF-style: chr14-91739617-GAGA-G.
Other names: short protein forms L1813del.
Identifiers: ClinVar variation 1950275 (VCV001950275.2), dbSNP rs771411381, ClinGen allele CA7308653.